The following is an entry in ClinVar:

NM_017780.4(CHD7):c.3999del (p.Pro1332_Tyr1333insTer)

Gene: CHD7 (chromodomain helicase DNA binding protein 7; plus strand). Cytogenetic location: 8q12.2.
Variant type: Deletion.
Coding change: c.3999del on transcript NM_017780.4 (MANE Select); coding-DNA position 3999, one base deleted (T; older notation c.3999delT).
Protein change: p.Pro1332_Tyr1333insTer.
Molecular consequence: nonsense. On other transcripts: intron variant (1).
Genome position (GRCh38, 1-based): chr8:60,836,826, T deleted. VCF-style (leftmost placement, unchanged base first): chr8-60836825-AT-A. GRCh37 (hg19) VCF-style: chr8-61749384-AT-A.
Other names: c.1717-25403del (NM_001316690.1).
Identifiers: ClinVar variation 654472 (VCV000654472.7), dbSNP rs1586417729, ClinGen allele CA915945697.

ClinVar aggregate classification (germline): Pathogenic (1 of 4 stars; one submission).

Conditions:
CHARGE syndrome (CHARGE). Also called: Coloboma, heart anomaly, choanal atresia, retardation, genital and ear anomalies; CHARGE association; Hall-Hittner syndrome; Hittner Hirsch Kreh syndrome; CHARGE ASSOCIATION--COLOBOMA, HEART ANOMALY, CHOANAL ATRESIA, RETARDATION, GENITAL AND EAR ANOMALIES. Identifiers: Orphanet 138, MedGen C0265354, MONDO:0008965.

Submission:

Labcorp Genetics (formerly Invitae), Labcorp
Classification: Pathogenic for CHARGE syndrome. Last evaluated: 2018-12-05. Review status: criteria provided, single submitter. Criteria: Invitae Variant Classification Sherloc (09022015). Collection method: clinical testing. Allele origin: germline.
Comment: This variant has not been reported in the literature in individuals with CHD7-related conditions. This sequence change creates a premature translational stop signal (p.Tyr1333*) in the CHD7 gene. It is expected to result in an absent or disrupted protein product. This variant is not present in population databases (ExAC no frequency). Algorithms developed to predict the effect of sequence changes on RNA splicing suggest that this variant may create or strengthen a splice site, but this prediction has not been confirmed by published transcriptional studies. Loss-of-function variants in CHD7 are known to be pathogenic (PMID: 22461308, 25077900). For these reasons, this variant has been classified as Pathogenic.

Literature cited by the submitters: PubMed 22461308; PubMed 25077900.